The following is an entry in ClinVar:

ClinVar aggregate classification (germline): Pathogenic/Likely pathogenic. Review status: criteria provided, multiple submitters, no conflicts (2 of 4 stars). 3 submissions from 3 submitters: Pathogenic (1); Likely pathogenic (2). Last evaluated 2023-10-04.

Conditions:
LAMA2-related muscular dystrophy (LAMA2-RD). Also called: Laminin alpha 2-related dystrophy. Identifiers: MedGen C5679788, MONDO:0100228.
Merosin deficient congenital muscular dystrophy (MDC1A). Also called: Congenital Muscular Dystrophy Type 1A (MDC1A); Congenital merosin-deficient muscular dystrophy 1A. Identifiers: Orphanet 258, MedGen C1263858, MONDO:0011925, OMIM 607855.

Allele frequency attached by ClinVar (database versions not stated): gnomAD exomes below 0.00001.
gnomAD v4.1: 5 of 1,614,162 alleles (0.00031%); highest among the groups gnomAD compares: Non-Finnish European, 0.00042%; no homozygotes.

Submissions (3):

Labcorp Genetics (formerly Invitae), Labcorp
Classification: Pathogenic for LAMA2-related muscular dystrophy. Last evaluated: 2023-10-04. Review status: criteria provided, single submitter. Criteria: Invitae Variant Classification Sherloc (09022015). Collection method: clinical testing. Allele origin: germline.
Comment: This sequence change creates a premature translational stop signal (p.Arg553*) in the LAMA2 gene. It is expected to result in an absent or disrupted protein product. Loss-of-function variants in LAMA2 are known to be pathogenic (PMID: 18700894, 32904964). This variant is present in population databases (no rsID available, gnomAD 0.0009%). This variant has not been reported in the literature in individuals affected with LAMA2-related conditions. ClinVar contains an entry for this variant (Variation ID: 452811). For these reasons, this variant has been classified as Pathogenic.

Baylor Genetics
Classification: Likely pathogenic for Merosin deficient congenital muscular dystrophy. Last evaluated: 2023-10-03. Review status: criteria provided, single submitter. Criteria: ACMG Guidelines, 2015. Collection method: clinical testing. Allele origin: unknown.

GeneDx
Classification: Likely pathogenic. Last evaluated: 2018-06-28. Review status: criteria provided, single submitter. Criteria: GeneDx Variant Classification (06012015). Collection method: clinical testing. Allele origin: germline. Affected: yes.
Comment: The R553X variant in the LAMA2 gene has not been reported previously as a pathogenic variant nor as a benign variant, to our knowledge. This variant is predicted to cause loss of normal protein function either through protein truncation or nonsense-mediated mRNA decay. The R553X variant is not observed at a significant frequency in large population cohorts (Lek et al., 2016). We interpret R553X as a likely pathogenic variant.

Literature cited by the submitters: PubMed 18700894 (cited by Labcorp Genetics (formerly Invitae), Labcorp); PubMed 32904964 (cited by Labcorp Genetics (formerly Invitae), Labcorp).

NM_000426.4(LAMA2):c.1657C>T (p.Arg553Ter)

Gene: LAMA2 (laminin subunit alpha 2; plus strand). Cytogenetic location: 6q22.33.
Variant type: single nucleotide variant.
Coding change: c.1657C>T on transcript NM_000426.4 (MANE Select); coding-DNA position 1657, C replaced by T.
Protein change: p.Arg553Ter; replaces arginine 553 with a stop codon.
Molecular consequence: nonsense.
Genome position (GRCh38, 1-based): chr6:129,192,728, C>T. VCF-style: chr6-129192728-C-T. GRCh37 (hg19) VCF-style: chr6-129513873-C-T.
Other names: c.1657C>T, p.Arg553Ter (NM_001079823.2); short protein forms R553*.
Identifiers: ClinVar variation 452811 (VCV000452811.9), dbSNP rs1303773212, ClinGen allele CA365608189.